The following is an entry in ClinVar:

NM_001127222.2(CACNA1A):c.5521G>C (p.Ala1841Pro)

Gene: CACNA1A (calcium voltage-gated channel subunit alpha1 A; minus strand). Cytogenetic location: 19p13.13.
Variant type: single nucleotide variant.
Coding change: c.5521G>C on transcript NM_001127222.2 (MANE Select); coding-DNA position 5521, G replaced by C.
Protein change: p.Ala1841Pro; replaces alanine 1841 with proline.
Molecular consequence: missense variant.
Genome position (GRCh38, 1-based): chr19:13,230,089, C>G on the plus strand (G>C on the coding strand, the complement: CACNA1A is on the minus strand). VCF-style: chr19-13230089-C-G. GRCh37 (hg19) VCF-style: chr19-13340903-C-G.
Other names: c.5539G>C, p.Ala1847Pro (NM_000068.4, NM_023035.3); c.5524G>C, p.Ala1842Pro (NM_001127221.2); c.5530G>C, p.Ala1844Pro (NM_001174080.2); short protein forms A1842P, A1847P, A1844P, A1841P.
Identifiers: ClinVar variation 1392413 (VCV001392413.6), dbSNP rs753229469, ClinGen allele CA404333206.

ClinVar aggregate classification (germline): Uncertain significance (1 of 4 stars; one submission).

Conditions:
Developmental and epileptic encephalopathy, 42 (DEE42A). Also called: Epileptic encephalopathy, early infantile, 42; DEVELOPMENTAL AND EPILEPTIC ENCEPHALOPATHY 42A; EPILEPTIC ENCEPHALOPATHY, EARLY INFANTILE, 42A. Identifiers: MedGen C4310716, MONDO:0014917, OMIM 617106.
Episodic ataxia type 2 (EA2). Also called: EPISODIC ATAXIA, NYSTAGMUS-ASSOCIATED; ACETAZOLAMIDE-RESPONSIVE HEREDITARY PAROXYSMAL CEREBELLAR ATAXIA; ATAXIA, EPISODIC, WITH NYSTAGMUS; ATAXIA, FAMILIAL PAROXYSMAL; CEREBELLAR ATAXIA, PAROXYSMAL, ACETAZOLAMIDE-RESPONSIVE; CEREBELLOPATHY, HEREDITARY PAROXYSMAL. Identifiers: Orphanet 97, MedGen C1720416, MONDO:0007163, OMIM 108500.

Submission:

Labcorp Genetics (formerly Invitae), Labcorp
Classification: Uncertain significance for Developmental and epileptic encephalopathy, 42; Episodic ataxia type 2. Last evaluated: 2021-12-23. Review status: criteria provided, single submitter. Criteria: Invitae Variant Classification Sherloc (09022015). Collection method: clinical testing. Allele origin: germline.
Comment: Advanced modeling of protein sequence and biophysical properties (such as structural, functional, and spatial information, amino acid conservation, physicochemical variation, residue mobility, and thermodynamic stability) performed at Invitae indicates that this missense variant is expected to disrupt CACNA1A protein function. This variant has not been reported in the literature in individuals affected with CACNA1A-related conditions. This variant is not present in population databases (gnomAD no frequency). This sequence change replaces alanine, which is neutral and non-polar, with proline, which is neutral and non-polar, at codon 1842 of the CACNA1A protein (p.Ala1842Pro). In summary, the available evidence is currently insufficient to determine the role of this variant in disease. Therefore, it has been classified as a Variant of Uncertain Significance.